The following is an entry in ClinVar:

NM_153026.3(PRICKLE1):c.178G>A (p.Val60Ile)

Gene: PRICKLE1 (prickle planar cell polarity protein 1; minus strand). Cytogenetic location: 12q12.
Variant type: single nucleotide variant.
Coding change: c.178G>A on transcript NM_153026.3 (MANE Select); coding-DNA position 178, G replaced by A.
Protein change: p.Val60Ile; replaces valine 60 with isoleucine.
Molecular consequence: missense variant.
Genome position (GRCh38, 1-based): chr12:42,470,314, C>T on the plus strand (G>A on the coding strand, the complement: PRICKLE1 is on the minus strand). VCF-style: chr12-42470314-C-T. GRCh37 (hg19) VCF-style: chr12-42864116-C-T.
Other names: c.178G>A, p.Val60Ile (NM_001144881.2, NM_001144882.2, NM_001144883.2); short protein forms V60I.
Identifiers: ClinVar variation 1056096 (VCV001056096.6), dbSNP rs1359965296, ClinGen allele CA384444575.

ClinVar aggregate classification (germline): Uncertain significance (1 of 4 stars; one submission).

Conditions:
Epilepsy, progressive myoclonic, 1B. Also called: PME. Identifiers: Orphanet 308, MedGen C2676254, MONDO:0012904, OMIM 612437.

Allele frequency attached by ClinVar (database versions not stated): TOPMed below 0.00001; gnomAD 0.00002.
gnomAD v4.1: 10 of 1,613,980 alleles (0.00062%); highest among the groups gnomAD compares: African/African-American, 0.0027%; no homozygotes.

Submission:

Labcorp Genetics (formerly Invitae), Labcorp
Classification: Uncertain significance for Epilepsy, progressive myoclonic, 1B. Last evaluated: 2021-09-01. Review status: criteria provided, single submitter. Criteria: Invitae Variant Classification Sherloc (09022015). Collection method: clinical testing. Allele origin: germline.
Comment: This sequence change replaces valine with isoleucine at codon 60 of the PRICKLE1 protein (p.Val60Ile). The valine residue is highly conserved and there is a small physicochemical difference between valine and isoleucine. This variant is not present in population databases (ExAC no frequency). This variant has not been reported in the literature in individuals affected with PRICKLE1-related conditions. Algorithms developed to predict the effect of missense changes on protein structure and function output the following: SIFT: "Tolerated"; PolyPhen-2: "Benign"; Align-GVGD: "Class C0". The isoleucine amino acid residue is found in multiple mammalian species, which suggests that this missense change does not adversely affect protein function. In summary, the available evidence is currently insufficient to determine the role of this variant in disease. Therefore, it has been classified as a Variant of Uncertain Significance.